The following is an entry in ClinVar:

NM_001122764.3(PPOX):c.338+2dup

Gene: PPOX (protoporphyrinogen oxidase; plus strand). Cytogenetic location: 1q23.3.
Variant type: Duplication.
Coding change: c.338+2dup on transcript NM_001122764.3 (MANE Select); the canonical splice donor site of the intron after coding-DNA position 338, one base duplicated (T; older notation c.338+2dupT).
Molecular consequence: splice donor variant. On other transcripts: intron variant (2).
Genome position (GRCh38, 1-based): chr1:161,167,488, T duplicated. VCF-style (leftmost placement, unchanged base first): chr1-161167487-G-GT. GRCh37 (hg19) VCF-style: chr1-161137277-G-GT.
Other names: c.-149+2dup (NM_001350130.2); c.353+2dup (NM_001350128.2); c.-90+2dup (NM_001350129.2); c.338+2dup (NM_001365399.1, NM_000309.5, NM_001365398.1); c.-35+2dup (NM_001350131.2); c.-90+254dup (NM_001365400.1); c.-149+254dup (NM_001365401.1).
Identifiers: ClinVar variation 1067847 (VCV001067847.8), dbSNP rs2101851488, ClinGen allele CA2499214267.
Genomic context (GRCh38, chr1:161,167,487, plus strand): 5'-TGCCCAGAACAGGTTCCTCTACGTGGGCGGTGCCCTGCATGCCCTACCCACTGGCCTCAG[G>GT]TAACACCAGCACCTCCGCTCCTTTTACTGTGCCCTCATCCTCATATGCCTTCCATTTCTT-3'

ClinVar aggregate classification (germline): Likely pathogenic. Review status: criteria provided, multiple submitters, no conflicts (2 of 4 stars). 2 submissions from 2 submitters: Likely pathogenic (2). Last evaluated 2023-06-07.

Submissions (2):

Mayo Clinic Laboratories, Mayo Clinic
Classification: Likely pathogenic. Last evaluated: 2023-06-07. Review status: criteria provided, single submitter. Criteria: ACMG Guidelines, 2015. Collection method: clinical testing. Allele origin: germline. Observed: 1 variant allele.
Comment: PP4, PM2, PS3

Labcorp Genetics (formerly Invitae), Labcorp
Classification: Likely pathogenic. Last evaluated: 2020-06-08. Review status: criteria provided, single submitter. Criteria: Invitae Variant Classification Sherloc (09022015). Collection method: clinical testing. Allele origin: germline.
Comment: In summary, the currently available evidence indicates that the variant is pathogenic, but additional data are needed to prove that conclusively. Therefore, this variant has been classified as Likely Pathogenic. Nucleotide substitutions within the consensus splice site are a relatively common cause of aberrant splicing (PMID: 17576681, 9536098). Experimental studies have shown that this variant disrupts mRNA splicing (PMID: 25638459). This variant has been observed in individual(s) with acute hepatic porphyria (PMID: 18570668, Invitae). This variant is also known as c.338+3insT in the literature. This variant is not present in population databases (ExAC no frequency). This sequence change falls in intron 4 of the PPOX gene. It does not directly change the encoded amino acid sequence of the PPOX protein, but it affects a nucleotide within the consensus splice site of the intron.

Literature cited by the submitters: PubMed 18570668 (cited by Mayo Clinic Laboratories, Mayo Clinic and Labcorp Genetics (formerly Invitae), Labcorp); PubMed 25638459 (cited by Mayo Clinic Laboratories, Mayo Clinic and Labcorp Genetics (formerly Invitae), Labcorp); PubMed 17576681 (cited by Labcorp Genetics (formerly Invitae), Labcorp); PubMed 9536098 (cited by Labcorp Genetics (formerly Invitae), Labcorp).